The following is an entry in ClinVar:

ClinVar aggregate classification (germline): Likely benign (1 of 4 stars; one submission).

Submission:

GeneDx
Classification: Likely benign. Last evaluated: 2018-05-16. Review status: criteria provided, single submitter. Criteria: GeneDx Variant Classification (06012015). Collection method: clinical testing. Allele origin: germline. Affected: yes.
Comment: This variant is considered likely benign or benign based on one or more of the following criteria: it is a conservative change, it occurs at a poorly conserved position in the protein, it is predicted to be benign by multiple in silico algorithms, and/or has population frequency not consistent with disease.

NM_000532.5(PCCB):c.48T>C (p.Val16=)

Gene: PCCB (propionyl-CoA carboxylase subunit beta; plus strand). Cytogenetic location: 3q22.3.
Variant type: single nucleotide variant.
Coding change: c.48T>C on transcript NM_000532.5 (MANE Select); coding-DNA position 48, T replaced by C.
Protein change: p.Val16=; no amino-acid change (valine 16 retained).
Molecular consequence: synonymous variant.
Genome position (GRCh38, 1-based): chr3:136,250,423, T>C. VCF-style: chr3-136250423-T-C. GRCh37 (hg19) VCF-style: chr3-135969265-T-C.
Other names: c.48T>C, p.Val16= (NM_001178014.2).
Identifiers: ClinVar variation 667547 (VCV000667547.1), dbSNP rs1576397531, ClinGen allele CA435957051.